The following is an entry in ClinVar:

ClinVar aggregate classification (germline): Uncertain significance. Review status: criteria provided, multiple submitters, no conflicts (2 of 4 stars). 2 submissions from 2 submitters: Uncertain significance (2). Last evaluated 2022-09-22.

Conditions:
Hereditary cancer-predisposing syndrome. Also called: Neoplastic Syndromes, Hereditary; Tumor predisposition; Hereditary Cancer Syndrome; Hereditary neoplastic syndrome. Identifiers: Orphanet 140162, MedGen C0027672, MeSH D009386, MONDO:0015356.
Familial meningioma. Also called: Meningioma, familial, susceptibility to. Identifiers: Orphanet 263662, MedGen C3551915, MONDO:0011789, OMIM 607174.

Submissions (2):

Ambry Genetics
Classification: Uncertain significance for Hereditary cancer-predisposing syndrome. Last evaluated: 2022-09-22. Review status: criteria provided, single submitter. Criteria: Ambry Variant Classification Scheme 2023. Collection method: clinical testing. Allele origin: germline.
Comment: The c.1057_1058delAG variant, located in coding exon 10 of the SMARCE1 gene, results from a deletion of two nucleotides at nucleotide positions 1057 to 1058, causing a translational frameshift with a predicted alternate stop codon (p.S353Pfs*5). This alteration occurs at the 3' terminus of theSMARCE1 gene, is not expected to trigger nonsense-mediated mRNAdecay, and only impacts the last 59 amino acids of the protein. The exact functional effect of this alteration is unknown. Since supporting evidence is limited at this time, the clinical significance of this alteration remains unclear.

Labcorp Genetics (formerly Invitae), Labcorp
Classification: Uncertain significance for Familial meningioma. Last evaluated: 2022-03-13. Review status: criteria provided, single submitter. Criteria: Invitae Variant Classification Sherloc (09022015). Collection method: clinical testing. Allele origin: germline.
Comment: In summary, the available evidence is currently insufficient to determine the role of this variant in disease. Therefore, it has been classified as a Variant of Uncertain Significance. Experimental studies and prediction algorithms are not available or were not evaluated, and the functional significance of this variant is currently unknown. This variant has not been reported in the literature in individuals affected with SMARCE1-related conditions. This variant is not present in population databases (gnomAD no frequency). This sequence change creates a premature translational stop signal (p.Ser353Profs*5) in the SMARCE1 gene. While this is not anticipated to result in nonsense mediated decay, it is expected to disrupt the last 59 amino acid(s) of the SMARCE1 protein.

NM_003079.5(SMARCE1):c.1057_1058del (p.Ser353fs)

Gene: SMARCE1 (SWI/SNF related BAF chromatin remodeling complex subunit E1; minus strand). Cytogenetic location: 17q21.2.
Variant type: Microsatellite.
Coding change: c.1057_1058del on transcript NM_003079.5 (MANE Select); coding-DNA positions 1057 to 1058, 2 bases deleted (AG; older notation c.1057_1058delAG).
Protein change: p.Ser353fs; shifts the reading frame from serine 353.
Molecular consequence: frameshift variant.
Genome position (GRCh38, 1-based): chr17:40,628,963-40,628,964, CT deleted on the plus strand (AG on the coding strand, the reverse complement: SMARCE1 is on the minus strand); deleting any 2 consecutive bases within chr17:40,628,963-40,628,968 gives the same sequence; the c. name uses the placement nearest the transcript's 3' end. VCF-style (leftmost placement, unchanged base first): chr17-40628962-GCT-G. GRCh37 (hg19) VCF-style: chr17-38785214-GCT-G.
Other names: c.1053_1054AG[2], p.Ser353Profs (NM_003079.4); c.1057_1058delAG (NM_003079.4); short protein forms S353fs.
Identifiers: ClinVar variation 1778769 (VCV001778769.7), dbSNP rs2508592872, ClinGen allele CA2580613125.